The following is an entry in ClinVar:

NM_007294.4(BRCA1):c.5298C>T (p.Ile1766=)

Gene: BRCA1 (BRCA1 DNA repair associated; minus strand). Cytogenetic location: 17q21.31.
Variant type: single nucleotide variant.
Coding change: c.5298C>T on transcript NM_007294.4 (MANE Select); coding-DNA position 5298, C replaced by T.
Protein change: p.Ile1766=; no amino-acid change (isoleucine 1766 retained).
Molecular consequence: synonymous variant. On other transcripts: intron variant (2).
Genome position (GRCh38, 1-based): chr17:43,051,097, G>A on the plus strand (C>T on the coding strand, the complement: BRCA1 is on the minus strand). VCF-style: chr17-43051097-G-A. GRCh37 (hg19) VCF-style: chr17-41203114-G-A.
Other names: c.5085C>T, p.Ile1695= (NM_001407898.1, NM_001407899.1, NM_001407900.1 and 12 more transcripts); c.5082C>T, p.Ile1694= (NM_001407915.1, NM_001407916.1, NM_001407917.1 and 1 more transcripts); c.5034C>T, p.Ile1678= (NM_001407920.1, NM_001407921.1, NM_001407922.1 and 4 more transcripts); c.5031C>T, p.Ile1677= (NM_001407927.1, NM_001407928.1, NM_001407929.1 and 4 more transcripts); c.5028C>T, p.Ile1676= (NM_001407934.1, NM_001407935.1, NM_001407936.1); c.5175C>T, p.Ile1725= (NM_001407937.1, NM_001407938.1, NM_001407664.1 and 5 more transcripts); c.5172C>T, p.Ile1724= (NM_001407939.1, NM_001407940.1, NM_001407670.1 and 10 more transcripts); c.5169C>T, p.Ile1723= (NM_001407941.1, NM_001407681.1, NM_001407682.1 and 6 more transcripts); and 74 more.
Identifiers: ClinVar variation 867968 (VCV000867968.3), dbSNP rs2051207482, ClinGen allele CA500143592.

Conditions:
Breast-ovarian cancer, familial, susceptibility to, 1 (BROVCA1). Also called: BRCA1 Hereditary Breast and Ovarian Cancer; OVARIAN CANCER, SUSCEPTIBILITY TO. Identifiers: Orphanet 145, MedGen C2676676, MONDO:0011450, OMIM 604370. Disease mechanism: loss of function.

Allele frequency attached by ClinVar (database versions not stated): gnomAD exomes below 0.00001.
gnomAD v4.1: 1 of 1,614,108 alleles (0.000062%); highest among the groups gnomAD compares: Non-Finnish European, 0.000085%; no homozygotes.

Submission:

Brotman Baty Institute, University of Washington
No classification provided (evidence only). Condition: Breast-ovarian cancer, familial 1. Review status: no classification provided. Collection method: in vitro. Allele origin: not applicable. Functional consequence: functionally_normal.
ClinVar note: "not provided" was previously submitted as the classification for the variant. However, the classification appeared to be based only on an observation of functional data so it was converted to no classification on 2025-07-30.